The following is an entry in ClinVar:

NM_000104.4(CYP1B1):c.401T>C (p.Phe134Ser)

Gene: CYP1B1 (cytochrome P450 family 1 subfamily B member 1; minus strand). Cytogenetic location: 2p22.2.
Variant type: single nucleotide variant.
Coding change: c.401T>C on transcript NM_000104.4 (MANE Select); coding-DNA position 401, T replaced by C.
Protein change: p.Phe134Ser; replaces phenylalanine 134 with serine.
Molecular consequence: missense variant.
Genome position (GRCh38, 1-based): chr2:38,074,988, A>G on the plus strand (T>C on the coding strand, the complement: CYP1B1 is on the minus strand). VCF-style: chr2-38074988-A-G. GRCh37 (hg19) VCF-style: chr2-38302131-A-G.
Other names: NM_000104.4:c.401T>C; short protein forms F134S.
Identifiers: ClinVar variation 5037937 (VCV005037937.1).

ClinVar aggregate classification (germline): Uncertain significance (3 of 4 stars; one submission).

Conditions:
CYP1B1-related glaucoma with or without anterior segment dysgenesis. Identifiers: MedGen CN375931, MONDO:0800472.

Submission:

ClinGen Glaucoma Variant Curation Expert Panel
Classification: Uncertain significance for CYP1B1-related glaucoma with or without anterior segment dysgenesis. Last evaluated: 2026-10-27. Review status: reviewed by expert panel. Criteria: ClinGen Glaucoma ACMG Specifications CYP1B1 V2.0. Collection method: curation. Allele origin: germline. Inheritance: Autosomal recessive inheritance.
Comment: The c.401T>C variant in CYP1B1 is a missense variant predicted to cause substitution of Phenylalanine by Serine at amino acid 134 (p.Phe134Ser). This variant was not found in any genetic ancestry group of gnomAD (v4.1), meeting the ≤ 0.0005 threshold set for PM2_Supporting in a genetic ancestry group of at least 2,000 alleles. This missense variant was not predicted to affect splicing, as assessed with SpliceAI (≤ 0.1) and the REVEL score = 0.598, which was neither above nor below the thresholds for PP3 (≥ 0.644) or BP4 (≤ 0.290), predicting a damaging or benign impact on CYP1B1 function. There was no functional evidence predicting a damaging or benign impact of this variant on CYP1B1 function. This variant has been identified in an individual with a CYP1B1-related phenotype (PMID:18852424). This individual is compound heterozygous for the variant and a variant of uncertain significance (phase unknown = 0 proband points), not meeting PM3_Supporting. In summary, this variant met the criteria to receive a score of 1 and to be classified as a variant of uncertain significance (uncertain significance classification range -1 to 5, adapted from PMID: 32720330) for CYP1B1-related glaucoma with or without anterior segment dysgenesis (ASD) based on the ACMG/AMP criteria met, as specified by the ClinGen Glaucoma VCEP (v2.0, 16.07.2026): PM2_Supporting.